The following is an entry in ClinVar:

NM_001330078.2(NRXN1):c.3364C>T (p.Pro1122Ser)

Gene: NRXN1 (neurexin 1; minus strand). Cytogenetic location: 2p16.3.
Variant type: single nucleotide variant.
Coding change: c.3364C>T on transcript NM_001330078.2 (MANE Select); coding-DNA position 3364, C replaced by T.
Protein change: p.Pro1122Ser; replaces proline 1122 with serine.
Molecular consequence: missense variant.
Genome position (GRCh38, 1-based): chr2:50,465,442, G>A on the plus strand (C>T on the coding strand, the complement: NRXN1 is on the minus strand). VCF-style: chr2-50465442-G-A. GRCh37 (hg19) VCF-style: chr2-50692580-G-A.
Other names: c.3484C>T, p.Pro1162Ser (NM_001135659.3); c.3340C>T, p.Pro1114Ser (NM_001330077.2, NM_001330082.2); c.3298C>T, p.Pro1100Ser (NM_001330083.2, NM_001330084.2); c.3337C>T, p.Pro1113Ser (NM_001330085.2); c.3364C>T, p.Pro1122Ser (NM_001330086.2, NM_004801.6); c.3253C>T, p.Pro1085Ser (NM_001330087.2, NM_001330096.2); c.3283C>T, p.Pro1095Ser (NM_001330088.2); c.3361C>T, p.Pro1121Ser (NM_001330093.2); and 2 more; short protein forms P1162S, P1113S, P1121S, P1085S, P1122S, P1095S, P1105S, P1114S.
Identifiers: ClinVar variation 581290 (VCV000581290.8), dbSNP rs1442195856, ClinGen allele CA346770070.

ClinVar aggregate classification (germline): Uncertain significance (1 of 4 stars; one submission).

Conditions:
Pitt-Hopkins-like syndrome 2 (PTHSL2). Identifiers: Orphanet 221150, Orphanet 600663, MedGen C3280479, MONDO:0013690, OMIM 614325.

Allele frequency attached by ClinVar (database versions not stated): gnomAD exomes below 0.00001; TOPMed below 0.00001; gnomAD 0.00001.
gnomAD v4.1: 6 of 1,606,994 alleles (0.00037%); highest among the groups gnomAD compares: Admixed American, 0.0017%; no homozygotes.

Submission:

Labcorp Genetics (formerly Invitae), Labcorp
Classification: Uncertain significance for Pitt-Hopkins-like syndrome 2. Last evaluated: 2020-02-17. Review status: criteria provided, single submitter. Criteria: Invitae Variant Classification Sherloc (09022015). Collection method: clinical testing. Allele origin: germline.
Comment: In summary, the available evidence is currently insufficient to determine the role of this variant in disease. Therefore, it has been classified as a Variant of Uncertain Significance. Algorithms developed to predict the effect of sequence changes on RNA splicing suggest that this variant may disrupt the consensus splice site, but this prediction has not been confirmed by published transcriptional studies. Algorithms developed to predict the effect of missense changes on protein structure and function do not agree on the potential impact of this missense change (SIFT: "Deleterious"; PolyPhen-2: "Benign"; Align-GVGD: "Class C0"). This variant has not been reported in the literature in individuals with NRXN1-related disease. This variant is not present in population databases (ExAC no frequency). This sequence change replaces proline with serine at codon 1162 of the NRXN1 protein (p.Pro1162Ser). The proline residue is highly conserved and there is a moderate physicochemical difference between proline and serine.